The following is an entry in ClinVar:

ClinVar aggregate classification (germline): Uncertain significance (1 of 4 stars; one submission).

Conditions:
Kleefstra syndrome 1 (KLEFS1). Identifiers: Orphanet 261494, MedGen C0795833, MONDO:0027407, OMIM 610253.

Submission:

Labcorp Genetics (formerly Invitae), Labcorp
Classification: Uncertain significance for Kleefstra syndrome 1. Last evaluated: 2024-02-20. Review status: criteria provided, single submitter. Criteria: Invitae Variant Classification Sherloc (09022015). Collection method: clinical testing. Allele origin: germline.
Comment: This sequence change replaces isoleucine, which is neutral and non-polar, with valine, which is neutral and non-polar, at codon 921 of the EHMT1 protein (p.Ile921Val). This variant is not present in population databases (gnomAD no frequency). This variant has not been reported in the literature in individuals affected with EHMT1-related conditions. ClinVar contains an entry for this variant (Variation ID: 949621). Advanced modeling of protein sequence and biophysical properties (such as structural, functional, and spatial information, amino acid conservation, physicochemical variation, residue mobility, and thermodynamic stability) performed at Invitae indicates that this missense variant is not expected to disrupt EHMT1 protein function with a negative predictive value of 80%. In summary, the available evidence is currently insufficient to determine the role of this variant in disease. Therefore, it has been classified as a Variant of Uncertain Significance.

NM_024757.5(EHMT1):c.2761A>G (p.Ile921Val)

Gene: EHMT1 (euchromatic histone lysine methyltransferase 1; plus strand). Cytogenetic location: 9q34.3.
Variant type: single nucleotide variant.
Coding change: c.2761A>G on transcript NM_024757.5 (MANE Select); coding-DNA position 2761, A replaced by G.
Protein change: p.Ile921Val; replaces isoleucine 921 with valine.
Molecular consequence: missense variant.
Genome position (GRCh38, 1-based): chr9:137,811,509, A>G. VCF-style: chr9-137811509-A-G. GRCh37 (hg19) VCF-style: chr9-140705961-A-G.
Other names: c.2740A>G, p.Ile914Val (NM_001354263.2); short protein forms I921V, I914V.
Identifiers: ClinVar variation 949621 (VCV000949621.10), dbSNP rs780048403, ClinGen allele CA375791407.